The following is an entry in ClinVar:

NM_005045.4(RELN):c.9030_9032del (p.Glu3010del)

Genes: SLC26A5-AS1 (SLC26A5 antisense RNA 1; plus strand), RELN (reelin; minus strand). Cytogenetic location: 7q22.1.
Variant type: Deletion.
Coding change: c.9030_9032del on transcript NM_005045.4 (MANE Select); coding-DNA positions 9030 to 9032, 3 bases deleted (AGA; older notation c.9030_9032delAGA).
Protein change: p.Glu3010del; deletes glutamic acid 3010.
Molecular consequence: inframe deletion.
Genome position (GRCh38, 1-based): chr7:103,496,687-103,496,689, TCT deleted on the plus strand (AGA on the coding strand, the reverse complement: RELN is on the minus strand); deleting any 3 consecutive bases within chr7:103,496,687-103,496,691 gives the same sequence; the c. name uses the placement nearest the transcript's 3' end. VCF-style (leftmost placement, unchanged base first): chr7-103496686-ATCT-A. GRCh37 (hg19) VCF-style: chr7-103137133-ATCT-A.
Other names: c.9030_9032del, p.Glu3010del (NM_173054.3); short protein forms E3010del.
Identifiers: ClinVar variation 843311 (VCV000843311.9), dbSNP rs1828851549, ClinGen allele CA916082943.
Genomic context (GRCh38, chr7:103,496,686, plus strand): 5'-AATTCCATTGCTGATCACAAAAGGCTGCCACCAGCGAAGTCGAGTTGTGTTGGTGAGGGC[ATCT>A]TCAGGAAGAAGTATGTAGTCGTGTCTAACAGAAATGTATTTCTGGTAATCCATCTCATGG-3'

ClinVar aggregate classification (germline): Uncertain significance (1 of 4 stars; one submission).

Conditions:
Familial temporal lobe epilepsy 7. Identifiers: Orphanet 101046, MedGen C4225327, MONDO:0014639, OMIM 616436.
Norman-Roberts syndrome (LIS2). Also called: Lissencephaly 2 (Norman-Roberts type). Identifiers: Orphanet 89844, MedGen C0796089, MONDO:0009760, OMIM 257320.

Submission:

Labcorp Genetics (formerly Invitae), Labcorp
Classification: Uncertain significance for Familial temporal lobe epilepsy 7; Norman-Roberts syndrome. Last evaluated: 2019-05-22. Review status: criteria provided, single submitter. Criteria: Invitae Variant Classification Sherloc (09022015). Collection method: clinical testing. Allele origin: germline.
Comment: This variant, c.9030_9032del, results in the deletion of 1 amino acid(s) of the RELN protein (p.Glu3010del), but otherwise preserves the integrity of the reading frame. This variant is not present in population databases (ExAC no frequency). In summary, the available evidence is currently insufficient to determine the role of this variant in disease. Therefore, it has been classified as a Variant of Uncertain Significance. Experimental studies and prediction algorithms are not available for this variant, and the functional significance of the affected amino acid(s) is currently unknown. This variant has not been reported in the literature in individuals with RELN-related conditions.